The following is an entry in ClinVar:

ClinVar aggregate classification (germline): Likely benign (1 of 4 stars; one submission).

Allele frequency attached by ClinVar (database versions not stated): gnomAD 0.00115; gnomAD exomes 0.00145; 1000 Genomes Project 30x 0.00047; 1000 Genomes Project 0.00060; ExAC 0.00146; ESP Exome Variant Server 0.00154.
gnomAD v4.1: 2,313 of 1,614,158 alleles (0.14%); highest among the groups gnomAD compares: Non-Finnish European, 0.16%; 5 homozygotes.

Submission:

CeGaT Center for Human Genetics Tuebingen
Classification: Likely benign. Last evaluated: 2022-03-01. Review status: criteria provided, single submitter. Criteria: CeGaT Center For Human Genetics Tuebingen Variant Classification Criteria Version 2. Collection method: clinical testing. Allele origin: germline. Affected: yes. Observed: 1 variant allele.
Comment: RANBP6: BP4, BP7

NM_012416.4(RANBP6):c.2085C>T (p.Tyr695=)

Gene: RANBP6 (RAN binding protein 6; minus strand). Cytogenetic location: 9p24.1.
Variant type: single nucleotide variant.
Coding change: c.2085C>T on transcript NM_012416.4 (MANE Select); coding-DNA position 2085, C replaced by T.
Protein change: p.Tyr695=; no amino-acid change (tyrosine 695 retained).
Molecular consequence: synonymous variant. On other transcripts: 3 prime UTR variant (1).
Genome position (GRCh38, 1-based): chr9:6,013,523, G>A on the plus strand (C>T on the coding strand, the complement: RANBP6 is on the minus strand). VCF-style: chr9-6013523-G-A. GRCh37 (hg19) VCF-style: chr9-6013523-G-A.
Other names: c.1029C>T, p.Tyr343= (NM_001243202.2); c.*763C>T (NM_001243203.2).
Identifiers: ClinVar variation 2659059 (VCV002659059.24), dbSNP rs117422236, ClinGen allele CA4978286.